The following continues an entry in ClinVar:

NM_000199.5(SGSH):c.1080del (p.Val361fs)

Gene: SGSH. ClinVar aggregate classification (germline): Pathogenic/Likely pathogenic. Pathogenic (14); Likely pathogenic (1).

Submissions 14 to 18 of 18:

Women's Health and Genetics/Laboratory Corporation of America, LabCorp
Classification: Pathogenic for Mucopolysaccharidosis, MPS-III-A. Last evaluated: 2018-09-14. Review status: criteria provided, single submitter. Criteria: LabCorp Variant Classification Summary - May 2015. Collection method: clinical testing. Allele origin: germline.
Comment: Variant summary: SGSH c.1080delC (p.Val361SerfsX52) results in a premature termination codon, predicted to cause a truncation of the encoded protein or absence of the protein due to nonsense mediated decay, which are commonly known mechanisms for disease. The variant allele was found at a frequency of 6.5e-05 in 275896 control chromosomes (gnomAD). This frequency is lower than expected for a pathogenic variant in SGSH causing Mucopolysaccharidosis Type IIIA (Sanfilippo Syndrome A) (6.5e-05 vs 0.0032), allowing no conclusion about variant significance. The variant, c.1080delC, has been reported in the literature in multiple individuals (inlcuding homozygotes) affected with Mucopolysaccharidosis Type IIIA (Sanfilippo Syndrome A), being one of the most frequent variants associated with the disease (Montfort 2004, Heron 2010). At least two publications reported experimental evidence evaluating an impact on protein function. The most pronounced variant effect results in <10% of normal activity (Montfort 2004, Heron 2010). Two clinical diagnostic laboratories have submitted clinical-significance assessments for this variant to ClinVar after 2014 without evidence for independent evaluation, and both laboratories classified the variant as pathogenic. Based on the evidence outlined above, the variant was classified as pathogenic.

Clinical Genetics DNA and cytogenetics Diagnostics Lab, Erasmus MC, Erasmus Medical Center
Classification: Pathogenic for Mucopolysaccharidosis, MPS-III-A. Last evaluated: 2015-09-21. Review status: criteria provided, single submitter. Criteria: ACGS Guidelines, 2013. Collection method: clinical testing. Allele origin: germline. Affected: yes. Study: VKGL Data-share Consensus.

OMIM
Classification: Pathogenic for MUCOPOLYSACCHARIDOSIS, TYPE IIIA. Last evaluated: 2001-05-01. Review status: no assertion criteria provided. Collection method: literature only. Allele origin: germline. Not counted in ClinVar's aggregate classification.

Diagnostic Laboratory, Department of Genetics, University Medical Center Groningen
Classification: Pathogenic for Mucopolysaccharidosis, MPS-III-A. Review status: no assertion criteria provided. Collection method: clinical testing. Allele origin: germline. Affected: yes. Study: VKGL Data-share Consensus. Not counted in ClinVar's aggregate classification.

GeneReviews
No classification provided. Condition: Mucopolysaccharidosis. Review status: no classification provided. Collection method: literature only. Allele origin: germline. Not counted in ClinVar's aggregate classification.

Literature cited by the submitters: PubMed 31536183 (cited by Variantyx, Inc. and GeneReviews); PubMed 9285796 (cited by 3 submitters); PubMed 29023963 (cited by Variantyx, Inc.); PubMed 35221874 (cited by Variantyx, Inc.); PubMed 21061399 (cited by 4 submitters); PubMed 39201540 (cited by Variantyx, Inc.); PubMed 15542396 (cited by 3 submitters); PubMed 21910976 (cited by Labcorp Genetics (formerly Invitae), Labcorp); PubMed 22976768 (cited by Labcorp Genetics (formerly Invitae), Labcorp); PubMed 11182930 (cited by Laboratory of Diagnosis and Therapy of Lysosomal Disorders, University of Padova); PubMed 11343308 (cited by Laboratory of Diagnosis and Therapy of Lysosomal Disorders, University of Padova and OMIM); PubMed 9744479 (cited by Laboratory of Diagnosis and Therapy of Lysosomal Disorders, University of Padova and OMIM); PubMed 30809705 (cited by Laboratory of Diagnosis and Therapy of Lysosomal Disorders, University of Padova); PubMed 21204211 (cited by Women's Health and Genetics/Laboratory Corporation of America, LabCorp).